The following is an entry in ClinVar:

NM_000128.4(F11):c.1278_1282dup (p.Thr428delinsAsnTer)

Gene: F11 (coagulation factor XI; plus strand). Cytogenetic location: 4q35.2.
Variant type: Duplication.
Coding change: c.1278_1282dup on transcript NM_000128.4 (MANE Select); coding-DNA positions 1278 to 1282, 5 bases duplicated (ATTAA; older notation c.1278_1282dupATTAA).
Protein change: p.Thr428delinsAsnTer.
Molecular consequence: nonsense.
Genome position (GRCh38, 1-based): chr4:186,284,234-186,284,238, ATTAA duplicated. VCF-style (leftmost placement, unchanged base first): chr4-186284233-T-TATTAA. GRCh37 (hg19) VCF-style: chr4-187205387-T-TATTAA.
Other names: c.1230_1234dup, p.Thr412delinsAsnTer (NM_001440590.1, NM_001440596.1); c.1278_1282dup, p.Thr428delinsAsnTer (NM_001440593.1); c.1008_1012dup, p.Thr338delinsAsnTer (NM_001440605.1, NM_001440607.1); c.960_964dup, p.Thr322delinsAsnTer (NM_001440606.1, NM_001440608.1).
Identifiers: ClinVar variation 5014357 (VCV005014357.1).

ClinVar aggregate classification (germline): Pathogenic (1 of 4 stars; one submission).

Conditions:
Hereditary factor XI deficiency disease. Also called: PLASMA THROMBOPLASTIN ANTECEDENT DEFICIENCY; PTA DEFICIENCY; ROSENTHAL SYNDROME; Congenital factor XI deficiency. Identifiers: Orphanet 329, MedGen C0015523, MeSH D005173, MONDO:0012897, OMIM 612416.

Submission:

Myriad Genetics, Inc.
Classification: Pathogenic for Hereditary factor XI deficiency disease. Last evaluated: 2025-04-28. Review status: criteria provided, single submitter. Criteria: Myriad Autosomal Dominant, Autosomal Recessive and X-Linked Classification Criteria (2023). Collection method: clinical testing. Allele origin: unknown.
Comment: NM_000128.3(F11):c.1278_1282dup5(T428Nfs*2) is expected to be pathogenic in the context of factor XI deficiency. This variant is predicted to lead to an abnormal or absent protein product due to the creation of a premature termination codon in F11, a gene where loss-of-function variants are known to be pathogenic. Please note: this variant was assessed in the context of healthy population screening.